The following is an entry in ClinVar:

ClinVar aggregate classification (germline): Uncertain significance (1 of 4 stars; one submission).

Submission:

Labcorp Genetics (formerly Invitae), Labcorp
Classification: Uncertain significance. Last evaluated: 2023-04-15. Review status: criteria provided, single submitter. Criteria: Invitae Variant Classification Sherloc (09022015). Collection method: clinical testing. Allele origin: germline.
Comment: In summary, the available evidence is currently insufficient to determine the role of this variant in disease. Therefore, it has been classified as a Variant of Uncertain Significance. An algorithm developed to predict the effect of missense changes on protein structure and function (PolyPhen-2) suggests that this variant is likely to be disruptive. This sequence change replaces arginine, which is basic and polar, with leucine, which is neutral and non-polar, at codon 900 of the HYOU1 protein (p.Arg900Leu). This variant is not present in population databases (gnomAD no frequency). This variant has not been reported in the literature in individuals affected with HYOU1-related conditions.

NM_006389.5(HYOU1):c.2699G>T (p.Arg900Leu)

Gene: HYOU1 (hypoxia up-regulated 1; minus strand). Cytogenetic location: 11q23.3.
Variant type: single nucleotide variant.
Coding change: c.2699G>T on transcript NM_006389.5 (MANE Select); coding-DNA position 2699, G replaced by T.
Protein change: p.Arg900Leu; replaces arginine 900 with leucine.
Molecular consequence: missense variant.
Genome position (GRCh38, 1-based): chr11:119,046,699, C>A on the plus strand (G>T on the coding strand, the complement: HYOU1 is on the minus strand). VCF-style: chr11-119046699-C-A. GRCh37 (hg19) VCF-style: chr11-118917411-C-A.
Other names: c.2699G>T, p.Arg900Leu (NM_001130991.3, NM_001411041.1); short protein forms R900L.
Identifiers: ClinVar variation 2856255 (VCV002856255.3), dbSNP rs1480966452, ClinGen allele CA382919531.